The following is an entry in ClinVar:

NM_001129820.2(SLFN14):c.2724G>A (p.Lys908=)

Gene: SLFN14 (schlafen family member 14; minus strand). Cytogenetic location: 17q12.
Variant type: single nucleotide variant.
Coding change: c.2724G>A on transcript NM_001129820.2 (MANE Select); coding-DNA position 2724, G replaced by A.
Protein change: p.Lys908=; no amino-acid change (lysine 908 retained).
Molecular consequence: synonymous variant.
Genome position (GRCh38, 1-based): chr17:35,548,254, C>T on the plus strand (G>A on the coding strand, the complement: SLFN14 is on the minus strand). VCF-style: chr17-35548254-C-T. GRCh37 (hg19) VCF-style: chr17-33875273-C-T.
Other names: p.Lys908=.
Identifiers: ClinVar variation 738205 (VCV000738205.6), dbSNP rs148469524, ClinGen allele CA8504526.

ClinVar aggregate classification (germline): Benign/Likely benign. Review status: criteria provided, multiple submitters, no conflicts (2 of 4 stars). 3 submissions from 3 submitters: Benign (1); Likely benign (1). 1 of the submissions does not count toward it. Last evaluated 2025-02-14.

Conditions:
SLFN14-related disorder. Also called: SLFN14-related condition.

Allele frequency attached by ClinVar (database versions not stated): gnomAD exomes 0.00043 and 0.00188; gnomAD 0.00051 and 0.00074; ExAC 0.00066; TOPMed 0.00092; 1000 Genomes Project 0.00459; 1000 Genomes Project 30x 0.00484.
gnomAD v4.1: 758 of 1,551,064 alleles (0.049%); highest among the groups gnomAD compares: East Asian, 1.6%; 7 homozygotes.

Submissions (3):

Mayo Clinic Laboratories, Mayo Clinic
Classification: Benign. Last evaluated: 2025-02-14. Review status: criteria provided, single submitter. Criteria: ACMG Guidelines, 2015. Collection method: clinical testing. Allele origin: germline. Observed: 1 variant allele.
Comment: BS1, BS2, BP4, BP7

Labcorp Genetics (formerly Invitae), Labcorp
Classification: Likely benign. Last evaluated: 2018-05-15. Review status: criteria provided, single submitter. Criteria: Invitae Variant Classification Sherloc (09022015). Collection method: clinical testing. Allele origin: germline.

PreventionGenetics, part of Exact Sciences
Classification: Benign for SLFN14-related condition. Last evaluated: 2019-05-24. Review status: no assertion criteria provided. Collection method: clinical testing. Allele origin: germline. Not counted in ClinVar's aggregate classification.
Comment: This variant is classified as benign based on ACMG/AMP sequence variant interpretation guidelines (Richards et al. 2015 PMID: 25741868, with internal and published modifications).